The following is an entry in ClinVar:

ClinVar aggregate classification (germline): Likely pathogenic (3 of 4 stars; one submission).

Conditions:
Monogenic diabetes. Identifiers: Orphanet 183625, MedGen C3888631, MONDO:0015967.

Allele frequency attached by ClinVar (database versions not stated): gnomAD exomes below 0.00001.
gnomAD v4.1: 1 of 1,614,170 alleles (0.000062%); highest among the groups gnomAD compares: African/African-American, 0.0013%; no homozygotes.

Submission:

ClinGen Monogenic Diabetes Variant Curation Expert Panel
Classification: Likely pathogenic for Monogenic diabetes. Last evaluated: 2024-01-22. Review status: reviewed by expert panel. Criteria: ClinGen Diabetes ACMG Specifications HNF1A V2.1.0. Collection method: curation. Allele origin: germline. Inheritance: Autosomal dominant inheritance.
Comment: The c.517G>A variant in the e.g. HNF1 homeobox A gene, HNF1A, causes an amino acid change of valine to methionine at codon 173 (p.(Val173Met)) of NM_000545.8. This variant is located within the DNA binding domains (codons 107-174 and 201-280) of HNF1A, which is defined as critical for the protein’s function by the ClinGen MDEP (PM1_Supporting). Additionally, this variant is absent from gnomAD v2.1.1 (PM2_Supporting). This variant is predicted to be deleterious by computational evidence, with a REVEL score of 0.84, which is greater than the MDEP VCEP threshold of 0.70 (PP3). Lastly, this variant segregated with diabetes, with at least ten informative meioses in one family (PP1_Strong; internal lab contributors). In summary, c.517G>A meets the criteria to be classified as likely pathogenic for monogenic diabetes. ACMG/AMP criteria applied, as specified by the ClinGen MDEP (specification version 2.1.0, approved 8/11/2023): PM1_Supporting, PM2_Supporting, PP3, PP1_Strong.

NM_000545.8(HNF1A):c.517G>A (p.Val173Met)

Gene: HNF1A (HNF1 homeobox A; plus strand). Cytogenetic location: 12q24.31.
Variant type: single nucleotide variant.
Coding change: c.517G>A on transcript NM_000545.8 (MANE Select); coding-DNA position 517, G replaced by A.
Protein change: p.Val173Met; replaces valine 173 with methionine.
Molecular consequence: missense variant.
Genome position (GRCh38, 1-based): chr12:120,989,023, G>A. VCF-style: chr12-120989023-G-A. GRCh37 (hg19) VCF-style: chr12-121426826-G-A.
Other names: NM_001306179.2:c.517G>A; c.517G>A, p.Val173Met (NM_001306179.2, NM_001406915.1); short protein forms V173M.
Identifiers: ClinVar variation 2691838 (VCV002691838.1), dbSNP rs2499987988, ClinGen allele CA386960737.